The following is an entry in ClinVar:

NM_000218.3(KCNQ1):c.1906G>T (p.Ala636Ser)

Genes: KCNQ1 (potassium voltage-gated channel subfamily Q member 1; plus strand), KCNQ1-AS1 (KCNQ1 antisense RNA 1; minus strand). Cytogenetic location: 11p15.4.
Variant type: single nucleotide variant.
Coding change: c.1906G>T on transcript NM_000218.3 (MANE Select); coding-DNA position 1906, G replaced by T.
Protein change: p.Ala636Ser; replaces alanine 636 with serine.
Molecular consequence: missense variant.
Genome position (GRCh38, 1-based): chr11:2,847,878, G>T. VCF-style: chr11-2847878-G-T. GRCh37 (hg19) VCF-style: chr11-2869108-G-T.
Other names: c.1810G>T, p.Ala604Ser (NM_001406836.1); c.1636G>T, p.Ala546Ser (NM_001406837.1); c.1366G>T, p.Ala456Ser (NM_001406838.1); c.418G>T, p.Ala140Ser (NM_001406839.1); c.1525G>T, p.Ala509Ser (NM_181798.2); short protein forms A636S, A604S, A456S, A509S, A546S, A140S.
Identifiers: ClinVar variation 4780739 (VCV004780739.1).
Genomic context (GRCh38, chr11:2,847,878, plus strand): 5'-CTGCTCTCCTTGCACGGTGGCAGCACCCCCGGCAGCGGCGGCCCCCCCAGAGAGGGCGGG[G>T]CCCACATCACCCAGCCCTGCGGCAGTGGCGGCTCCGTCGACCCTGAGCTCTTCCTGCCCA-3'
Protein context (NP_000209.2, residues 626-646): GSGGPPREGG[Ala636Ser]HITQPCGSGG

ClinVar aggregate classification (germline): Uncertain significance (1 of 4 stars; one submission).

Conditions:
Long QT syndrome (LQTS). Identifiers: MedGen C0023976, MeSH D008133, MONDO:0002442. Disease mechanism: loss of function. Inheritance: Various modes of inheritance.

Submission:

Labcorp Genetics (formerly Invitae), Labcorp
Classification: Uncertain significance for Long QT syndrome. Last evaluated: 2025-12-20. Review status: criteria provided, single submitter. Criteria: Invitae Variant Classification Sherloc (09022015). Collection method: clinical testing. Allele origin: germline.
Comment: This sequence change replaces alanine, which is neutral and non-polar, with serine, which is neutral and polar, at codon 636 of the KCNQ1 protein (p.Ala636Ser). This variant is not present in population databases (gnomAD no frequency). This variant has not been reported in the literature in individuals affected with KCNQ1-related conditions. Invitae Evidence Modeling of protein sequence and biophysical properties (such as structural, functional, and spatial information, amino acid conservation, physicochemical variation, residue mobility, and thermodynamic stability) indicates that this missense variant is not expected to disrupt KCNQ1 protein function with a negative predictive value of 95%. In summary, the available evidence is currently insufficient to determine the role of this variant in disease. Therefore, it has been classified as a Variant of Uncertain Significance.